The following is an entry in ClinVar:

ClinVar aggregate classification (germline): Uncertain significance (1 of 4 stars; one submission).

Submission:

Ambry Genetics
Classification: Uncertain significance. Last evaluated: 2021-12-11. Review status: criteria provided, single submitter. Criteria: Ambry Variant Classification Scheme 2023. Collection method: clinical testing. Allele origin: germline.
Comment: The p.N2049H variant (also known as c.6145A>C), located in coding exon 10 of the ALPK2 gene, results from an A to C substitution at nucleotide position 6145. The asparagine at codon 2049 is replaced by histidine, an amino acid with similar properties. This amino acid position is conserved. In addition, this alteration is predicted to be tolerated by in silico analysis. Since supporting evidence is limited at this time, the clinical significance of this alteration remains unclear.

NM_052947.4(ALPK2):c.6145A>C (p.Asn2049His)

Gene: ALPK2 (alpha kinase 2; minus strand). Cytogenetic location: 18q21.31.
Variant type: single nucleotide variant.
Coding change: c.6145A>C on transcript NM_052947.4 (MANE Select); coding-DNA position 6145, A replaced by C.
Protein change: p.Asn2049His; replaces asparagine 2049 with histidine.
Molecular consequence: missense variant.
Genome position (GRCh38, 1-based): chr18:58,504,033, T>G on the plus strand (A>C on the coding strand, the complement: ALPK2 is on the minus strand). VCF-style: chr18-58504033-T-G. GRCh37 (hg19) VCF-style: chr18-56171265-T-G.
Other names: short protein forms N2049H.
Identifiers: ClinVar variation 1751853 (VCV001751853.2), dbSNP rs2518854979, ClinGen allele CA402544063.